The following is an entry in ClinVar:

ClinVar aggregate classification (germline): Uncertain significance (1 of 4 stars; one submission).

Allele frequency attached by ClinVar (database versions not stated): gnomAD exomes below 0.00001; TOPMed 0.00001; ExAC 0.00002.
gnomAD v4.1: 6 of 1,613,596 alleles (0.00037%); highest among the groups gnomAD compares: Non-Finnish European, 0.00042%; no homozygotes.

Submission:

Labcorp Genetics (formerly Invitae), Labcorp
Classification: Uncertain significance. Last evaluated: 2023-07-30. Review status: criteria provided, single submitter. Criteria: Invitae Variant Classification Sherloc (09022015). Collection method: clinical testing. Allele origin: germline.
Comment: In summary, the available evidence is currently insufficient to determine the role of this variant in disease. Therefore, it has been classified as a Variant of Uncertain Significance. Variants that disrupt the consensus splice site are a relatively common cause of aberrant splicing (PMID: 17576681, 9536098). Algorithms developed to predict the effect of sequence changes on RNA splicing suggest that this variant is not likely to affect RNA splicing. This variant has not been reported in the literature in individuals affected with KCNH1-related conditions. This variant is present in population databases (rs775654220, gnomAD 0.003%). This sequence change falls in intron 9 of the KCNH1 gene. It does not directly change the encoded amino acid sequence of the KCNH1 protein. It affects a nucleotide within the consensus splice site.

Literature cited by the submitters: PubMed 17576681; PubMed 9536098.

NM_172362.3(KCNH1):c.1915+6T>C

Gene: KCNH1 (potassium voltage-gated channel subfamily H member 1; minus strand). Cytogenetic location: 1q32.2.
Variant type: single nucleotide variant.
Coding change: c.1915+6T>C on transcript NM_172362.3 (MANE Select); 6 bases into the intron after coding-DNA position 1915, T replaced by C.
Molecular consequence: intron variant.
Genome position (GRCh38, 1-based): chr1:210,797,502, A>G on the plus strand (T>C on the coding strand, the complement: KCNH1 is on the minus strand). VCF-style: chr1-210797502-A-G. GRCh37 (hg19) VCF-style: chr1-210970844-A-G.
Other names: c.1834+6T>C (NM_002238.4).
Identifiers: ClinVar variation 2875373 (VCV002875373.3), dbSNP rs775654220, ClinGen allele CA1379815.